The following is an entry in ClinVar:

ClinVar aggregate classification (germline): Uncertain significance (1 of 4 stars; one submission).

Submission:

Labcorp Genetics (formerly Invitae), Labcorp
Classification: Uncertain significance. Last evaluated: 2022-06-09. Review status: criteria provided, single submitter. Criteria: Invitae Variant Classification Sherloc (09022015). Collection method: clinical testing. Allele origin: germline.
Comment: In summary, the available evidence is currently insufficient to determine the role of this variant in disease. Therefore, it has been classified as a Variant of Uncertain Significance. Algorithms developed to predict the effect of missense changes on protein structure and function are either unavailable or do not agree on the potential impact of this missense change (SIFT: "Tolerated"; PolyPhen-2: "Not Available"; Align-GVGD: "Class C0"). This variant has not been reported in the literature in individuals affected with PCLO-related conditions. This variant is not present in population databases (gnomAD no frequency). This sequence change replaces proline, which is neutral and non-polar, with arginine, which is basic and polar, at codon 299 of the PCLO protein (p.Pro299Arg).

NM_033026.6(PCLO):c.896C>G (p.Pro299Arg)

Gene: PCLO (piccolo presynaptic cytomatrix protein; minus strand). Cytogenetic location: 7q21.11.
Variant type: single nucleotide variant.
Coding change: c.896C>G on transcript NM_033026.6 (MANE Select); coding-DNA position 896, C replaced by G.
Protein change: p.Pro299Arg; replaces proline 299 with arginine.
Molecular consequence: missense variant.
Genome position (GRCh38, 1-based): chr7:83,155,745, G>C on the plus strand (C>G on the coding strand, the complement: PCLO is on the minus strand). VCF-style: chr7-83155745-G-C. GRCh37 (hg19) VCF-style: chr7-82785061-G-C.
Other names: c.896C>G, p.Pro299Arg (NM_014510.3); short protein forms P299R.
Identifiers: ClinVar variation 1996818 (VCV001996818.4), dbSNP rs2116691281, ClinGen allele CA367918784.
Genomic context (GRCh38, chr7:83,155,745, plus strand): 5'-GGCTGCTGTGCTGGAGGTTTTCCAGGAGTTGGTTGCTGAATAGGTGGTTTGGATGGGCTT[G>C]GCAGTGAGGGTTTAACTGATTCTCCCCTTACTATGTCTGCCTGTTTAGTCTGAGGCCTGG-3'
Protein context (NP_149015.2, residues 289-309): VRGESVKPSL[Pro299Arg]SPSKPPIQQP